The following is an entry in ClinVar:

NM_001134363.3(RBM20):c.3266C>T (p.Pro1089Leu)

Gene: RBM20 (RNA binding motif protein 20; plus strand). Cytogenetic location: 10q25.2.
Variant type: single nucleotide variant.
Coding change: c.3266C>T on transcript NM_001134363.3 (MANE Select); coding-DNA position 3266, C replaced by T.
Protein change: p.Pro1089Leu; replaces proline 1089 with leucine.
Molecular consequence: missense variant.
Genome position (GRCh38, 1-based): chr10:110,821,885, C>T. VCF-style: chr10-110821885-C-T. GRCh37 (hg19) VCF-style: chr10-112581643-C-T.
Other names: c.3266C>T (NM_001134363.1); short protein forms P1089L.
Identifiers: ClinVar variation 1521270 (VCV001521270.7), dbSNP rs772708424, ClinGen allele CA378382354.

ClinVar aggregate classification (germline): Uncertain significance. Review status: criteria provided, multiple submitters, no conflicts (2 of 4 stars). 2 submissions from 2 submitters: Uncertain significance (2). Last evaluated 2024-12-29.

Conditions:
Dilated cardiomyopathy 1DD (CMD1DD). Identifiers: Orphanet 154, MedGen C2750995, MONDO:0013168, OMIM 613172.
Cardiovascular phenotype. Identifiers: MedGen CN230736.

gnomAD v4.1: 7 of 1,551,720 alleles (0.00045%); highest among the groups gnomAD compares: Middle Eastern, 0.017%; no homozygotes.

Submissions (2):

Ambry Genetics
Classification: Uncertain significance for Cardiovascular phenotype. Last evaluated: 2024-12-29. Review status: criteria provided, single submitter. Criteria: Ambry Variant Classification Scheme 2023. Collection method: clinical testing. Allele origin: germline.
Comment: The p.P1089L variant (also known as c.3266C>T), located in coding exon 11 of the RBM20 gene, results from a C to T substitution at nucleotide position 3266. The proline at codon 1089 is replaced by leucine, an amino acid with similar properties. This amino acid position is conserved. In addition, this alteration is predicted to be tolerated by in silico analysis. Based on the available evidence, the clinical significance of this variant remains unclear.

Labcorp Genetics (formerly Invitae), Labcorp
Classification: Uncertain significance for Dilated cardiomyopathy 1DD. Last evaluated: 2024-10-09. Review status: criteria provided, single submitter. Criteria: Invitae Variant Classification Sherloc (09022015). Collection method: clinical testing. Allele origin: germline.
Comment: This sequence change replaces proline, which is neutral and non-polar, with leucine, which is neutral and non-polar, at codon 1089 of the RBM20 protein (p.Pro1089Leu). This variant is present in population databases (no rsID available, gnomAD 0.002%). This variant has not been reported in the literature in individuals affected with RBM20-related conditions. ClinVar contains an entry for this variant (Variation ID: 1521270). Invitae Evidence Modeling of protein sequence and biophysical properties (such as structural, functional, and spatial information, amino acid conservation, physicochemical variation, residue mobility, and thermodynamic stability) indicates that this missense variant is not expected to disrupt RBM20 protein function with a negative predictive value of 95%. In summary, the available evidence is currently insufficient to determine the role of this variant in disease. Therefore, it has been classified as a Variant of Uncertain Significance.